The following is an entry in ClinVar:

ClinVar aggregate classification (germline): Likely benign. Review status: criteria provided, single submitter (1 of 4 stars). 2 submissions from 2 submitters: Likely benign (1). 1 of the submissions does not count toward it. Last evaluated 2023-06-29.

Conditions:
Dyskeratosis congenita, autosomal dominant 2. Identifiers: MedGen C3151443, MONDO:0013521, OMIM 613989.
Idiopathic Pulmonary Fibrosis. Also called: Idiopathic fibrosing alveolitis, chronic form; idiopathic fibrosing alveolitis. Identifiers: Orphanet 2032, MedGen C1800706, MeSH D054990, MONDO:0800504.
TERT-related disorder. Also called: TERT-related disorders; TERT-related condition.

Allele frequency attached by ClinVar (database versions not stated): gnomAD exomes below 0.00001; TOPMed below 0.00001; gnomAD 0.00001.

Submissions (2):

Labcorp Genetics (formerly Invitae), Labcorp
Classification: Likely benign for Dyskeratosis congenita, autosomal dominant 2; Idiopathic Pulmonary Fibrosis. Last evaluated: 2023-06-29. Review status: criteria provided, single submitter. Criteria: Invitae Variant Classification Sherloc (09022015). Collection method: clinical testing. Allele origin: germline.

PreventionGenetics, part of Exact Sciences
Classification: Likely benign for TERT-related condition. Last evaluated: 2022-05-31. Review status: no assertion criteria provided. Collection method: clinical testing. Allele origin: germline. Not counted in ClinVar's aggregate classification.
Comment: This variant is classified as likely benign based on ACMG/AMP sequence variant interpretation guidelines (Richards et al. 2015 PMID: 25741868, with internal and published modifications).

NM_198253.3(TERT):c.2383-17C>T

Gene: TERT (telomerase reverse transcriptase; minus strand). Cytogenetic location: 5p15.33.
Variant type: single nucleotide variant.
Coding change: c.2383-17C>T on transcript NM_198253.3 (MANE Select); 17 bases into the intron before coding-DNA position 2383, C replaced by T.
Molecular consequence: intron variant.
Genome position (GRCh38, 1-based): chr5:1,271,221, G>A on the plus strand (C>T on the coding strand, the complement: TERT is on the minus strand). VCF-style: chr5-1271221-G-A. GRCh37 (hg19) VCF-style: chr5-1271336-G-A.
Other names: c.2383-17C>T (NM_001193376.3, NM_198253.2).
Identifiers: ClinVar variation 1530533 (VCV001530533.10), dbSNP rs937340337, ClinGen allele CA112943885.